The following is an entry in ClinVar:

NM_030957.4(ADAMTS10):c.2531-3C>T

Gene: ADAMTS10 (ADAM metallopeptidase with thrombospondin type 1 motif 10; minus strand). Cytogenetic location: 19p13.2.
Variant type: single nucleotide variant.
Coding change: c.2531-3C>T on transcript NM_030957.4 (MANE Select); 3 bases into the intron before coding-DNA position 2531, C replaced by T.
Molecular consequence: intron variant.
Genome position (GRCh38, 1-based): chr19:8,586,254, G>A on the plus strand (C>T on the coding strand, the complement: ADAMTS10 is on the minus strand). VCF-style: chr19-8586254-G-A. GRCh37 (hg19) VCF-style: chr19-8651138-G-A.
Other names: c.992-3C>T (NM_001282352.2).
Identifiers: ClinVar variation 4773209 (VCV004773209.1).

ClinVar aggregate classification (germline): Uncertain significance (1 of 4 stars; one submission).

Submission:

Labcorp Genetics (formerly Invitae), Labcorp
Classification: Uncertain significance. Last evaluated: 2025-11-09. Review status: criteria provided, single submitter. Criteria: Invitae Variant Classification Sherloc (09022015). Collection method: clinical testing. Allele origin: germline.
Comment: This sequence change falls in intron 21 of the ADAMTS10 gene. It does not directly change the encoded amino acid sequence of the ADAMTS10 protein. It affects a nucleotide within the consensus splice site. This variant is not present in population databases (gnomAD no frequency). This variant has not been reported in the literature in individuals affected with ADAMTS10-related conditions. Variants that disrupt the consensus splice site are a relatively common cause of aberrant splicing (PMID: 17576681, 9536098). Algorithms developed to predict the effect of sequence changes on RNA splicing suggest that this variant is not likely to affect RNA splicing. In summary, the available evidence is currently insufficient to determine the role of this variant in disease. Therefore, it has been classified as a Variant of Uncertain Significance.

Literature cited by the submitters: PubMed 17576681; PubMed 9536098.